The following is an entry in ClinVar:

NM_198253.3(TERT):c.532C>G (p.Leu178Val)

Gene: TERT (telomerase reverse transcriptase; minus strand). Cytogenetic location: 5p15.33.
Variant type: single nucleotide variant.
Coding change: c.532C>G on transcript NM_198253.3 (MANE Select); coding-DNA position 532, C replaced by G.
Protein change: p.Leu178Val; replaces leucine 178 with valine.
Molecular consequence: missense variant. On other transcripts: non-coding transcript variant (2).
Genome position (GRCh38, 1-based): chr5:1,294,354, G>C on the plus strand (C>G on the coding strand, the complement: TERT is on the minus strand). VCF-style: chr5-1294354-G-C. GRCh37 (hg19) VCF-style: chr5-1294469-G-C.
Other names: c.532C>G, p.Leu178Val (NM_001193376.3); c.532C>G (NM_198253.2); short protein forms L178V.
Identifiers: ClinVar variation 1510134 (VCV001510134.9), dbSNP rs2126689432, ClinGen allele CA359057692.

ClinVar aggregate classification (germline): Uncertain significance. Review status: criteria provided, multiple submitters, no conflicts (2 of 4 stars). 2 submissions from 2 submitters: Uncertain significance (2). Last evaluated 2025-02-13.

Conditions:
Dyskeratosis congenita, autosomal dominant 2. Identifiers: MedGen C3151443, MONDO:0013521, OMIM 613989.
Idiopathic Pulmonary Fibrosis. Also called: Idiopathic fibrosing alveolitis, chronic form; idiopathic fibrosing alveolitis. Identifiers: Orphanet 2032, MedGen C1800706, MeSH D054990, MONDO:0800504.
Dyskeratosis congenita. Identifiers: Orphanet 1775, MedGen C0265965, MONDO:0015780.

Allele frequency attached by ClinVar (database versions not stated): gnomAD exomes below 0.00001.
gnomAD v4.1: 5 of 1,577,478 alleles (0.00032%); highest among the groups gnomAD compares: Non-Finnish European, 0.00043%; no homozygotes.

Submissions (2):

Ambry Genetics
Classification: Uncertain significance for Dyskeratosis congenita. Last evaluated: 2025-02-13. Review status: criteria provided, single submitter. Criteria: Ambry Variant Classification Scheme 2023. Collection method: clinical testing. Allele origin: germline.
Comment: The p.L178V variant (also known as c.532C>G), located in coding exon 2 of the TERT gene, results from a C to G substitution at nucleotide position 532. The leucine at codon 178 is replaced by valine, an amino acid with highly similar properties. This amino acid position is conserved. In addition, the in silico prediction for this alteration is inconclusive. Based on the available evidence, the clinical significance of this variant remains unclear.

Labcorp Genetics (formerly Invitae), Labcorp
Classification: Uncertain significance for Dyskeratosis congenita, autosomal dominant 2; Idiopathic Pulmonary Fibrosis. Last evaluated: 2023-04-09. Review status: criteria provided, single submitter. Criteria: Invitae Variant Classification Sherloc (09022015). Collection method: clinical testing. Allele origin: germline.
Comment: This sequence change replaces leucine, which is neutral and non-polar, with valine, which is neutral and non-polar, at codon 178 of the TERT protein (p.Leu178Val). This variant is not present in population databases (gnomAD no frequency). ClinVar contains an entry for this variant (Variation ID: 1510134). This variant has not been reported in the literature in individuals affected with TERT-related conditions. In summary, the available evidence is currently insufficient to determine the role of this variant in disease. Therefore, it has been classified as a Variant of Uncertain Significance. Advanced modeling of protein sequence and biophysical properties (such as structural, functional, and spatial information, amino acid conservation, physicochemical variation, residue mobility, and thermodynamic stability) performed at Invitae indicates that this missense variant is expected to disrupt TERT protein function.